The following is an entry in ClinVar:

ClinVar aggregate classification (germline): Uncertain significance. Review status: criteria provided, multiple submitters, no conflicts (2 of 4 stars). 2 submissions from 2 submitters: Uncertain significance (2). Last evaluated 2024-08-07.

Conditions:
Inborn genetic diseases. Identifiers: MedGen C0950123, MeSH D030342.
Aortic valve disease 2 (AOVD2). Identifiers: MedGen C3542024, MONDO:0013902, OMIM 614823.

Allele frequency attached by ClinVar (database versions not stated): gnomAD exomes below 0.00001; TOPMed 0.00001; gnomAD 0.00002.

Submissions (2):

Ambry Genetics
Classification: Uncertain significance for Inborn genetic diseases. Last evaluated: 2024-08-07. Review status: criteria provided, single submitter. Criteria: Ambry Variant Classification Scheme 2023. Collection method: clinical testing. Allele origin: germline.
Comment: The p.R82K variant (also known as c.245G>A), located in coding exon 1 of the SMAD6 gene, results from a G to A substitution at nucleotide position 245. The arginine at codon 82 is replaced by lysine, an amino acid with highly similar properties. This amino acid position is conserved. In addition, this alteration is predicted to be tolerated by in silico analysis. Based on the available evidence, the clinical significance of this variant remains unclear.

Labcorp Genetics (formerly Invitae), Labcorp
Classification: Uncertain significance for Aortic valve disease 2. Last evaluated: 2020-06-10. Review status: criteria provided, single submitter. Criteria: Invitae Variant Classification Sherloc (09022015). Collection method: clinical testing. Allele origin: germline.
Comment: In summary, the available evidence is currently insufficient to determine the role of this variant in disease. Therefore, it has been classified as a Variant of Uncertain Significance. Algorithms developed to predict the effect of missense changes on protein structure and function (SIFT, PolyPhen-2, Align-GVGD) all suggest that this variant is likely to be tolerated, but these predictions have not been confirmed by published functional studies and their clinical significance is uncertain. This variant has not been reported in the literature in individuals with SMAD6-related conditions. The frequency data for this variant in the population databases is considered unreliable, as metrics indicate insufficient coverage at this position in the ExAC database. This sequence change replaces arginine with lysine at codon 82 of the SMAD6 protein (p.Arg82Lys). The arginine residue is moderately conserved and there is a small physicochemical difference between arginine and lysine.

NM_005585.5(SMAD6):c.245G>A (p.Arg82Lys)

Gene: SMAD6 (SMAD family member 6; plus strand). Cytogenetic location: 15q22.31.
Variant type: single nucleotide variant.
Coding change: c.245G>A on transcript NM_005585.5 (MANE Select); coding-DNA position 245, G replaced by A.
Protein change: p.Arg82Lys; replaces arginine 82 with lysine.
Molecular consequence: missense variant. On other transcripts: non-coding transcript variant (1).
Genome position (GRCh38, 1-based): chr15:66,703,503, G>A. VCF-style: chr15-66703503-G-A. GRCh37 (hg19) VCF-style: chr15-66995841-G-A.
Other names: c.245G>A (NM_005585.4); short protein forms R82K.
Identifiers: ClinVar variation 1059056 (VCV001059056.10), dbSNP rs1433506461, ClinGen allele CA392949030.